The following is an entry in ClinVar:

NM_001122630.2(CDKN1C):c.604G>T (p.Ala202Ser)

Gene: CDKN1C (cyclin dependent kinase inhibitor 1C; minus strand). Cytogenetic location: 11p15.4.
Variant type: single nucleotide variant.
Coding change: c.604G>T on transcript NM_001122630.2 (MANE Select); coding-DNA position 604, G replaced by T.
Protein change: p.Ala202Ser; replaces alanine 202 with serine.
Molecular consequence: missense variant. On other transcripts: intron variant (1).
Genome position (GRCh38, 1-based): chr11:2,884,853, C>A on the plus strand (G>T on the coding strand, the complement: CDKN1C is on the minus strand). VCF-style: chr11-2884853-C-A. GRCh37 (hg19) VCF-style: chr11-2906083-C-A.
Other names: c.637G>T, p.Ala213Ser (NM_000076.2, NM_001362474.2); c.604G>T, p.Ala202Ser (NM_001122631.2); c.255+349G>T (NM_001362475.2); short protein forms A202S, A213S.
Identifiers: ClinVar variation 2909371 (VCV002909371.3), dbSNP rs2494385316, ClinGen allele CA379146159.
Genomic context (GRCh38, chr11:2,884,853, plus strand): 5'-GCTGCCCCTGGTTCGCGCCCTGCTCGGCGCTCTCTTGAGGCGCCGCGTCCGGGGCCGGGG[C>A]CGGGGCGGGGGCCGGGGCCGGGGCCGGGGCCGGGGCTGGGGCCGGGGCCGCGACTGGAGC-3'
Protein context (NP_001116102.1, residues 192-212): APAPAPAPAP[Ala202Ser]PAPDAAPQES

ClinVar aggregate classification (germline): Uncertain significance (1 of 4 stars; one submission).

Conditions:
Beckwith-Wiedemann syndrome (BWS). Also called: Exomphalos macroglossia gigantism syndrome; EMG SYNDROME. Identifiers: Orphanet 116, MedGen C0004903, MONDO:0007534, OMIM 130650.

Submission:

Labcorp Genetics (formerly Invitae), Labcorp
Classification: Uncertain significance for Beckwith-Wiedemann syndrome. Last evaluated: 2023-02-14. Review status: criteria provided, single submitter. Criteria: Invitae Variant Classification Sherloc (09022015). Collection method: clinical testing. Allele origin: germline.
Comment: This sequence change replaces alanine, which is neutral and non-polar, with serine, which is neutral and polar, at codon 213 of the CDKN1C protein (p.Ala213Ser). The frequency data for this variant in the population databases is considered unreliable, as metrics indicate insufficient coverage at this position in the gnomAD database. This variant has not been reported in the literature in individuals affected with CDKN1C-related conditions. Advanced modeling of protein sequence and biophysical properties (such as structural, functional, and spatial information, amino acid conservation, physicochemical variation, residue mobility, and thermodynamic stability) performed at Invitae indicates that this missense variant is not expected to disrupt CDKN1C protein function. In summary, the available evidence is currently insufficient to determine the role of this variant in disease. Therefore, it has been classified as a Variant of Uncertain Significance.